The following is an entry in ClinVar:

ClinVar aggregate classification (germline): Likely pathogenic. Review status: reviewed by expert panel (3 of 4 stars). 4 submissions from 4 submitters: Likely pathogenic (1). 3 of the submissions do not count toward it. Last evaluated 2026-08-26.
ClinVar aggregate classification (oncogenicity): Uncertain significance (0 of 4 stars; one submission).

Conditions:
Severe combined immunodeficiency disease. Also called: Severe combined immunodeficiency; Severe Combined Immune Deficiency. Identifiers: Orphanet 183660, MedGen C0085110, MeSH D016511, MONDO:0015974, HP:0004430. Inheritance: X-Linked or Autosomal recessive.
T-B+ severe combined immunodeficiency due to JAK3 deficiency. Also called: SCID, T CELL-NEGATIVE, B CELL-POSITIVE, NK CELL-NEGATIVE; SCID, autosomal recessive, T-negative/B-positive type. Identifiers: Orphanet 35078, MedGen C1833275, MONDO:0010938, OMIM 600802.
Adenoid cystic carcinoma. Also called: Adenocystic carcinoma. Identifiers: MedGen C0010606, MeSH D003528, MONDO:0004971.

gnomAD v4.1: 5 of 1,559,508 alleles (0.00032%); highest among the groups gnomAD compares: East Asian, 0.0024%; no homozygotes.

Submissions (5):

ClinGen Severe Combined Immunodeficiency Variant Curation Expert Panel, ClinGen
Classification: Likely pathogenic for T-B+ severe combined immunodeficiency due to JAK3 deficiency. Last evaluated: 2026-08-26. Review status: reviewed by expert panel. Criteria: ClinGen SCID ACMG Specifications JAK3 V2.3. Collection method: curation. Allele origin: germline. Inheritance: Autosomal recessive inheritance.
Comment: Total 1.5pt so PM3_supporting met. This variant in homozygous status segregated with two affected siblings (T-B+NK- SCID) from a consanguineous family (PMID: 24481607). LOD score: 0.6. Therefore PP1 met. T-B+NK- lymphocyte subset profile found and the diagnosis of SCID was established in two patients with this variant (PMID: 33040328) [0.5pt]. In one patient, Whole exome sequencing was conducted, and an alternative genetic explanation for SCID was not found (PMID: 33040328) (1pt). This variant was found in a patient with typical SCID with documented persistence of transplacentally transferred maternal lymphocytes (criteria 4) (PMID: 14615376) (0.5 pt). Functional studies revealed reduced IL-2 induced phosphorylation of STAT5 in patient-derived EBV transformed B cells but pathogenic or likely pathogenic variants in IL2RG, STAT5A, STAT5B, IL2RA, IL2RB, IL7R, and IL15RA have not been excluded ((PMID: 14615376) ) (1pt). Total 1.5 pt so PP4 met. The G589S mutation abrogated kinase activity in an in vitro kinase activity assay (PMID:14615376; PS3_supporting). The filtering allele frequency (the upper threshold of the 95% CI of 4/1152282) of the c.1765G>A variant in JAK3 is 0.0000008100 for European Non-Finnish chromosomes by gnomAD v4, which is lower than the ClinGen SCID VCEP threshold (<0.000115) for PM2_Supporting, and therefore meets this criterion (PM2_Supporting). Therefore, c.1765G>A (p.Gly589Ser) variant in JAK3 gene is classified as likely pathogenic. [Evidences: PM3, PP4, PP1, PM2_Supporting, PS3_Supporting]

Women's Health and Genetics/Laboratory Corporation of America, LabCorp
Classification: Likely pathogenic for Severe combined immunodeficiency disease. Last evaluated: 2024-09-20. Review status: criteria provided, single submitter. Criteria: LabCorp Variant Classification Summary - May 2015. Collection method: clinical testing. Allele origin: germline. Not counted in ClinVar's aggregate classification.
Comment: Variant summary: JAK3 c.1765G>A (p.Gly589Ser) results in a non-conservative amino acid change located in the Protein kinase domain (IPR000719) of the encoded protein sequence. Five of five in-silico tools predict a damaging effect of the variant on protein function. The frequency data for this variant in gnomAD is considered unreliable, as metrics indicate poor data quality at this position. c.1765G>A has been reported in the literature in homozygous and compound heterozygous individuals affected with Severe Combined Immunodeficiency (El Hawary_2021, El Hawary_2022). These data indicate that the variant may be associated with disease. At least one publication reports experimental evidence evaluating an impact on protein function. The most pronounced variant effect results in abrogation of JAK3 kinase activity (Roberts_2004). The following publications have been ascertained in the context of this evaluation (PMID: 33040328, 35482138, 14615376). ClinVar contains an entry for this variant (Variation ID: 265205). Based on the evidence outlined above, the variant was classified as likely pathogenic.

Labcorp Genetics (formerly Invitae), Labcorp
Classification: Pathogenic for T-B+ severe combined immunodeficiency due to JAK3 deficiency. Last evaluated: 2023-06-25. Review status: criteria provided, single submitter. Criteria: Invitae Variant Classification Sherloc (09022015). Collection method: clinical testing. Allele origin: germline. Not counted in ClinVar's aggregate classification.
Comment: This sequence change replaces glycine, which is neutral and non-polar, with serine, which is neutral and polar, at codon 589 of the JAK3 protein (p.Gly589Ser). This variant is not present in population databases (gnomAD no frequency). This missense change has been observed in individual(s) with severe combined immunodeficiency (PMID: 14615376, 33040328). ClinVar contains an entry for this variant (Variation ID: 265205). Advanced modeling of protein sequence and biophysical properties (such as structural, functional, and spatial information, amino acid conservation, physicochemical variation, residue mobility, and thermodynamic stability) performed at Invitae indicates that this missense variant is expected to disrupt JAK3 protein function. Experimental studies have shown that this missense change affects JAK3 function (PMID: 14615376). For these reasons, this variant has been classified as Pathogenic.

GeneDx
Classification: Pathogenic. Last evaluated: 2016-02-01. Review status: criteria provided, single submitter. Criteria: GeneDx Variant Classification (06012015). Collection method: clinical testing. Allele origin: germline. Affected: yes. Not counted in ClinVar's aggregate classification.
Comment: The G589S pathogenic variant in the JAK3 gene has been reported previously in the homozygous state in association with Severe Combined Immunodeficiency (SCID) (Roberts et al., 2004; Pasic et al., 2014). The G589S variant was not observed in approximately 6,500 individuals of European and African American ancestry in the NHLBI Exome Sequencing Project, indicating it is not a common benign variant in these populations. G589S is a non-conservative amino acid substitution, which is likely to impact secondary protein structure as these residues differ in polarity, charge, size and/or other properties. This variant is located in the conserved JH2 domain of the JAK3 protein, and in vitro functional studies showed that this variant disrupts the normal catalytic functions of the protein (Roberts et al., 2004).

Genome Sciences Centre, British Columbia Cancer Agency
Classification: Uncertain significance for Adenoid cystic carcinoma. Last evaluated: 2024-11-13. Review status: no assertion criteria provided. Collection method: research. Allele origin: somatic. Affected: yes. Observed: 1 variant allele.

Literature cited by the submitters: PubMed 14615376 (cited by Women's Health and Genetics/Laboratory Corporation of America, LabCorp and Labcorp Genetics (formerly Invitae), Labcorp); PubMed 16843266 (cited by Women's Health and Genetics/Laboratory Corporation of America, LabCorp); PubMed 17252020 (cited by Women's Health and Genetics/Laboratory Corporation of America, LabCorp); PubMed 17433830 (cited by Women's Health and Genetics/Laboratory Corporation of America, LabCorp); PubMed 23832011 (cited by Women's Health and Genetics/Laboratory Corporation of America, LabCorp); PubMed 22425895 (cited by Women's Health and Genetics/Laboratory Corporation of America, LabCorp); PubMed 25595890 (cited by Women's Health and Genetics/Laboratory Corporation of America, LabCorp); PubMed 22237106 (cited by Women's Health and Genetics/Laboratory Corporation of America, LabCorp); PubMed 24446122 (cited by Women's Health and Genetics/Laboratory Corporation of America, LabCorp); PubMed 35482138 (cited by Women's Health and Genetics/Laboratory Corporation of America, LabCorp); PubMed 33040328 (cited by Women's Health and Genetics/Laboratory Corporation of America, LabCorp and Labcorp Genetics (formerly Invitae), Labcorp).

NM_000215.4(JAK3):c.1765G>A (p.Gly589Ser)

Gene: JAK3 (Janus kinase 3; minus strand). Cytogenetic location: 19p13.11.
Variant type: single nucleotide variant.
Coding change: c.1765G>A on transcript NM_000215.4 (MANE Select); coding-DNA position 1765, G replaced by A.
Protein change: p.Gly589Ser; replaces glycine 589 with serine.
Molecular consequence: missense variant.
Genome position (GRCh38, 1-based): chr19:17,837,150, C>T on the plus strand (G>A on the coding strand, the complement: JAK3 is on the minus strand). VCF-style: chr19-17837150-C-T. GRCh37 (hg19) VCF-style: chr19-17947959-C-T.
Other names: NM_000215.4(JAK3):c.1765G>A; short protein forms G589S.
Identifiers: ClinVar variation 265205 (VCV000265205.8), dbSNP rs886039394, ClinGen allele CA10588686.